The following is an entry in ClinVar:

ClinVar aggregate classification (germline): Uncertain significance (1 of 4 stars; one submission).

Conditions:
Congenital hyperammonemia, type I. Also called: CPS I DEFICIENCY; Carbamoyl-phosphate synthase I deficiency; Carbamoyl phosphate synthetase 1 deficiency; Hyperammonemia due to carbamoyl phosphate synthetase 1 deficiency; CPS 1 deficiency; Carbamyl phosphate synthetase (CPS) deficiency. Identifiers: Orphanet 147, MedGen C4082171, MONDO:0009376, OMIM 237300.

Allele frequency attached by ClinVar (database versions not stated): gnomAD exomes below 0.00001; TOPMed below 0.00001.
gnomAD v4.1: 6 of 1,614,064 alleles (0.00037%); highest among the groups gnomAD compares: South Asian, 0.0011%; no homozygotes.

Submission:

Labcorp Genetics (formerly Invitae), Labcorp
Classification: Uncertain significance for Congenital hyperammonemia, type I. Last evaluated: 2021-08-02. Review status: criteria provided, single submitter. Criteria: Invitae Variant Classification Sherloc (09022015). Collection method: clinical testing. Allele origin: germline.
Comment: This sequence change replaces isoleucine with valine at codon 1230 of the CPS1 protein (p.Ile1230Val). The isoleucine residue is moderately conserved and there is a small physicochemical difference between isoleucine and valine. This variant is not present in population databases (ExAC no frequency). This variant has not been reported in the literature in individuals affected with CPS1-related conditions. Algorithms developed to predict the effect of missense changes on protein structure and function are either unavailable or do not agree on the potential impact of this missense change (SIFT: "Tolerated"; PolyPhen-2: "Possibly Damaging"; Align-GVGD: "Class C0"). In summary, the available evidence is currently insufficient to determine the role of this variant in disease. Therefore, it has been classified as a Variant of Uncertain Significance.

NM_001875.5(CPS1):c.3688A>G (p.Ile1230Val)

Gene: CPS1 (carbamoyl-phosphate synthase 1; plus strand). Cytogenetic location: 2q34.
Variant type: single nucleotide variant.
Coding change: c.3688A>G on transcript NM_001875.5 (MANE Select); coding-DNA position 3688, A replaced by G.
Protein change: p.Ile1230Val; replaces isoleucine 1230 with valine.
Molecular consequence: missense variant. On other transcripts: non-coding transcript variant (2).
Genome position (GRCh38, 1-based): chr2:210,658,620, A>G. VCF-style: chr2-210658620-A-G. GRCh37 (hg19) VCF-style: chr2-211523344-A-G.
Other names: c.3688A>G, p.Ile1230Val (NM_001122633.3, NM_001369257.1); c.3721A>G, p.Ile1241Val (NM_001369256.1); short protein forms I1230V, I1241V.
Identifiers: ClinVar variation 1362718 (VCV001362718.3), dbSNP rs1700803697, ClinGen allele CA350438197.
Genomic context (GRCh38, chr2:210,658,620, plus strand): 5'-GCTCTTTAGCACACTATACGATTATGCTTTTTAATTCAGGTGAAGGATGCTACCCGGAAG[A>G]TTGCAAAGGCTTTTGCCATCTCTGGTCCATTCAACGTCCAATTTCTTGTCAAAGGAAATG-3'
Protein context (NP_001866.2, residues 1220-1240): IEKVKDATRK[Ile1230Val]AKAFAISGPF